The following is an entry in ClinVar:

ClinVar aggregate classification (germline): Pathogenic. Review status: reviewed by expert panel (3 of 4 stars). 17 submissions from 17 submitters: Pathogenic (1). 16 of the submissions do not count toward it. Last evaluated 2016-09-08.

Conditions:
Breast and/or ovarian cancer. Identifiers: MedGen CN221562.
Hereditary cancer-predisposing syndrome. Also called: Tumor predisposition; Neoplastic Syndromes, Hereditary; Hereditary neoplastic syndrome; Hereditary Cancer Syndrome. Identifiers: Orphanet 140162, MedGen C0027672, MeSH D009386, MONDO:0015356.
Hereditary breast ovarian cancer syndrome. Also called: Hereditary breast and ovarian cancer; Hereditary breast and ovarian cancer syndrome (HBOC); Hereditary breast and/or ovarian cancer syndrome; Breast and ovarian cancer; Hereditary breast and ovarian cancer syndrome; BRCA1- and BRCA2-Associated Hereditary Breast and Ovarian Cancer. Identifiers: Orphanet 145, MedGen C0677776, MeSH D061325, MONDO:0003582. Disease mechanism: loss of function.
Breast-ovarian cancer, familial, susceptibility to, 2 (BROVCA2). Also called: BRCA2 Hereditary Breast and Ovarian Cancer. Identifiers: Orphanet 145, MedGen C2675520, MONDO:0012933, OMIM 612555. Disease mechanism: loss of function.
Familial cancer of breast. Also called: Hereditary breast cancer; BREAST CANCER, FAMILIAL; hereditary breast carcinoma. Identifiers: Orphanet 227535, MedGen C0346153, MONDO:0016419, OMIM 114480. Disease mechanism: loss of function.
Malignant tumor of breast. Also called: Malignant breast neoplasm; Cancer breast. Identifiers: MedGen C0006142, MONDO:0007254. Disease mechanism: loss of function.

Submissions (17):

Evidence-based Network for the Interpretation of Germline Mutant Alleles (ENIGMA)
Classification: Pathogenic for Breast-ovarian cancer, familial, susceptibility to, 2. Last evaluated: 2016-09-08. Review status: reviewed by expert panel. Criteria: ENIGMA BRCA1/2 Classification Criteria (2015). Collection method: curation. Allele origin: germline.
Comment: Variant allele predicted to encode a truncated non-functional protein.

Labcorp Genetics (formerly Invitae), Labcorp
Classification: Pathogenic for Hereditary breast ovarian cancer syndrome. Last evaluated: 2025-08-30. Review status: criteria provided, single submitter. Criteria: Invitae Variant Classification Sherloc (09022015). Collection method: clinical testing. Allele origin: germline. Not counted in ClinVar's aggregate classification.
Comment: This sequence change creates a premature translational stop signal (p.Tyr352Leufs*6) in the BRCA2 gene. It is expected to result in an absent or disrupted protein product. Loss-of-function variants in BRCA2 are known to be pathogenic (PMID: 20104584). This variant is not present in population databases (gnomAD no frequency). This premature translational stop signal has been observed in individual(s) with a personal and/or family history of breast and/or ovarian cancer (PMID: 25428384, 26941049, 28831036). This variant is also known as 1282insT. ClinVar contains an entry for this variant (Variation ID: 37725). For these reasons, this variant has been classified as Pathogenic.

Ambry Genetics
Classification: Pathogenic for Hereditary cancer-predisposing syndrome. Last evaluated: 2024-12-03. Review status: criteria provided, single submitter. Criteria: Ambry Variant Classification Scheme 2023. Collection method: clinical testing. Allele origin: germline. Not counted in ClinVar's aggregate classification.
Comment: The c.1054dupT pathogenic mutation, located in coding exon 9 of the BRCA2 gene, results from a duplication of T at nucleotide position 1054, causing a translational frameshift with a predicted alternate stop codon (p.Y352Lfs*6). This mutation has been reported multiple individuals with breast cancer (Rashidi A et al. Med. Oncol. 2015 Jan;32:371; Maxwell KN et al. Nat. Commun. 2017 08;8(1):319), as well as large cohorts of individuals who underwent BRCA1/2 testing (Dos Santos Vidal R et al. J Mol Diagn, 2016 05;18:362-369; Rebbeck TR et al. Hum Mutat, 2018 05;39:593-620). This variant is considered to be rare based on population cohorts in the Genome Aggregation Database (gnomAD). In addition to the clinical data presented in the literature, this alteration is expected to result in loss of function by premature protein truncation or nonsense-mediated mRNA decay. As such, this alteration is interpreted as a disease-causing mutation.

Quest Diagnostics Nichols Institute San Juan Capistrano
Classification: Pathogenic. Last evaluated: 2024-10-22. Review status: criteria provided, single submitter. Criteria: Quest Diagnostics criteria. Collection method: clinical testing. Allele origin: unknown. Not counted in ClinVar's aggregate classification.
Comment: The BRCA2 c.1054dup (p.Tyr352Leufs*6) variant alters the translational reading frame of the BRCA2 mRNA and causes the premature termination of BRCA2 protein synthesis. This variant has been reported in the published literature in individuals with a personal or family history of breast cancer (PMIDs: 28831036 (2017), 26941049 (2016), 12097257 (2002)). This variant has not been reported in large, multi-ethnic general populations (Genome Aggregation Database). Based on the available information, this variant is classified as pathogenic.

Women's Health and Genetics/Laboratory Corporation of America, LabCorp
Classification: Pathogenic for Hereditary breast ovarian cancer syndrome. Last evaluated: 2023-12-29. Review status: criteria provided, single submitter. Criteria: LabCorp Variant Classification Summary - May 2015. Collection method: clinical testing. Allele origin: germline. Not counted in ClinVar's aggregate classification.
Comment: Variant summary: BRCA2 c.1054dupT (p.Tyr352LeufsX6) results in a premature termination codon, predicted to cause a truncation of the encoded protein or absence of the protein due to nonsense mediated decay, which are commonly known mechanisms for disease. Variants downstream of this position have been classified as pathogenic by our laboratory. The variant was absent in 247576 control chromosomes (gnomAD). c.1054dupT has been reported in the literature in individuals affected with Hereditary Breast And Ovarian Cancer Syndrome (example: Rebbeck_2018). These data indicate that the variant is likely to be associated with disease. The following publication has been ascertained in the context of this evaluation (PMID: 29446198). Ten submitters (including ENIGMA expert panel) have cited clinical-significance assessments for this variant to ClinVar after 2014. All submitters classified the variant as pathogenic/likely pathogenic. Based on the evidence outlined above, the variant was classified as pathogenic.

GeneDx
Classification: Pathogenic. Last evaluated: 2023-07-30. Review status: criteria provided, single submitter. Criteria: GeneDx Variant Classification Process June 2021. Collection method: clinical testing. Allele origin: germline. Affected: yes. Not counted in ClinVar's aggregate classification.
Comment: Frameshift variant predicted to result in protein truncation or nonsense mediated decay in a gene for which loss of function is a known mechanism of disease; Not observed in large population cohorts (gnomAD); Observed in individuals with a personal and/or family history including breast, ovarian, and other cancers in published literature (Sinclair et al., 2002; Rashidi et al., 2015; Dos Santos Vidal et al., 2016; Maxwell et al., 2017); Truncating variants in this gene are considered pathogenic by a well-established clinical consortium and/or database; Also known as 1282dupT; This variant is associated with the following publications: (PMID: 12097257, 26941049, 25428384, 28831036, 28152038, 30787465, 29446198, 20104584, 32885271, 35944511)

CHEO Genetics Diagnostic Laboratory, Children's Hospital of Eastern Ontario
Classification: Pathogenic for Breast and/or ovarian cancer. Last evaluated: 2023-06-09. Review status: criteria provided, single submitter. Criteria: ACMG Guidelines, 2015. Collection method: clinical testing. Allele origin: germline. Study: Canadian Open Genetics Repository. Not counted in ClinVar's aggregate classification.

Mayo Clinic Laboratories, Mayo Clinic
Classification: Pathogenic. Last evaluated: 2023-06-08. Review status: criteria provided, single submitter. Criteria: ACMG Guidelines, 2015. Collection method: clinical testing. Allele origin: germline. Observed: 2 variant alleles. Not counted in ClinVar's aggregate classification.
Comment: PVS1, PM2, PP4, PP5

Baylor Genetics
Classification: Pathogenic for Familial cancer of breast. Last evaluated: 2022-12-01. Review status: criteria provided, single submitter. Criteria: ACMG Guidelines, 2015. Collection method: clinical testing. Allele origin: unknown. Not counted in ClinVar's aggregate classification.

Color Diagnostics, LLC DBA Color Health
Classification: Pathogenic for Hereditary cancer-predisposing syndrome. Last evaluated: 2020-01-15. Review status: criteria provided, single submitter. Criteria: ACMG Guidelines, 2015. Collection method: clinical testing. Allele origin: germline. Not counted in ClinVar's aggregate classification.
Comment: This variant inserts 1 nucleotide in exon 10 of the BRCA2 gene, creating a frameshift and premature translation stop signal. This variant is expected to result in an absent or non-functional protein product. This variant has not been identified in the general population by the Genome Aggregation Database (gnomAD). Loss of BRCA2 function is a known mechanism of disease. Based on the available evidence, this variant is classified as Pathogenic.

Department of Pathology and Molecular Medicine, Queen's University
Classification: Pathogenic for Hereditary breast ovarian cancer syndrome. Last evaluated: 2017-04-20. Review status: criteria provided, single submitter. Criteria: ACMG Guidelines, 2015. Collection method: clinical testing. Allele origin: germline. Study: The Canadian Open Genetics Repository (COGR). Not counted in ClinVar's aggregate classification.

Consortium of Investigators of Modifiers of BRCA1/2 (CIMBA), c/o University of Cambridge
Classification: Pathogenic for Breast-ovarian cancer, familial, susceptibility to, 2. Last evaluated: 2015-10-02. Review status: criteria provided, single submitter. Criteria: CIMBA Mutation Classification guidelines May 2016. Collection method: clinical testing. Allele origin: germline. Not counted in ClinVar's aggregate classification.

Counsyl
Classification: Likely pathogenic for Breast-ovarian cancer, familial, susceptibility to, 2. Last evaluated: 2016-12-23. Review status: no assertion criteria provided. Collection method: clinical testing. Allele origin: unknown. Not counted in ClinVar's aggregate classification.

Research Molecular Genetics Laboratory, Women's College Hospital, University of Toronto
Classification: Pathogenic for Hereditary breast ovarian cancer syndrome. Last evaluated: 2014-01-31. Review status: no assertion criteria provided. Collection method: research. Allele origin: germline. Affected: yes. Study: The Canadian Open Genetics Repository (COGR). Not counted in ClinVar's aggregate classification.

Sharing Clinical Reports Project (SCRP)
Classification: Pathogenic for Breast-ovarian cancer, familial 2. Last evaluated: 2008-11-20. Review status: no assertion criteria provided. Collection method: clinical testing. Allele origin: germline. Not counted in ClinVar's aggregate classification.

Breast Cancer Information Core (BIC) (BRCA2)
Classification: Pathogenic for Breast-ovarian cancer, familial 2. Review status: no assertion criteria provided. Collection method: clinical testing. Allele origin: germline. Affected: yes. Observed: 1 variant allele. Not counted in ClinVar's aggregate classification.

Department of Pathology and Laboratory Medicine, Sinai Health System
Classification: Pathogenic for Malignant tumor of breast. Review status: no assertion criteria provided. Collection method: clinical testing. Allele origin: unknown. Affected: yes. Study: The Canadian Open Genetics Repository (COGR). Not counted in ClinVar's aggregate classification.
Comment: The BRCA2 p.Tyr352Leufs*6 variant was identified in 6 of 61698 proband chromosomes (frequency: 0.0001) from individuals or families with breast or ovarian cancer (Dos Santos Vidal 2016, Maxwell 2017, Rebbeck 2018). The variant was also identified in dbSNP (ID: rs80359261) as "With Pathogenic allele", ClinVar (classified as pathogenic by Invitae, Ambry Genetics, GeneDx and seven other submitters; as likely pathogenic by Counsyl), and LOVD 3.0 (2x as pathogenic). The variant was not identified in the UMD-LSDB database. The variant was not identified in the following control databases: the Exome Aggregation Consortium (August 8th 2016) or the Genome Aggregation Database (Feb 27, 2017). The c.1054dup variant is predicted to cause a frameshift, which alters the protein's amino acid sequence beginning at codon 352 and leads to a premature stop codon at position 357. This alteration is then predicted to result in a truncated or absent protein and loss of function. Loss of function variants of the BRCA2 gene are an established mechanism of disease in hereditary breast and ovarian cancer (HBOC) and is the type of variant expected to cause the disorder. In summary, based on the above information, this variant meets our laboratoryâ€šÃ„Ã´s criteria to be classified as pathogenic.

Literature cited by the submitters: PubMed 20104584 (cited by Labcorp Genetics (formerly Invitae), Labcorp); PubMed 25428384 (cited by 3 submitters); PubMed 26941049 (cited by 3 submitters); PubMed 28831036 (cited by 3 submitters); PubMed 29446198 (cited by Ambry Genetics and Women's Health and Genetics/Laboratory Corporation of America, LabCorp); PubMed 12097257 (cited by Quest Diagnostics Nichols Institute San Juan Capistrano).

NM_000059.4(BRCA2):c.1054dup (p.Tyr352fs)

Gene: BRCA2 (BRCA2 DNA repair associated; plus strand). Cytogenetic location: 13q13.1.
Variant type: Duplication.
Coding change: c.1054dup on transcript NM_000059.4 (MANE Select); coding-DNA position 1054, one base duplicated (T; older notation c.1054dupT).
Protein change: p.Tyr352fs; shifts the reading frame from tyrosine 352.
Molecular consequence: frameshift variant.
Genome position (GRCh38, 1-based): chr13:32,332,532, T duplicated. VCF-style (leftmost placement, unchanged base first): chr13-32332531-A-AT. GRCh37 (hg19) VCF-style: chr13-32906668-A-AT.
Other names: 1282insT; c.1054dupT (NM_000059.3); short protein forms Y352fs.
Identifiers: ClinVar variation 37725 (VCV000037725.75), dbSNP rs80359261, ClinGen allele CA010673.